The following is an entry in ClinVar:

NM_006306.4(SMC1A):c.37A>C (p.Lys13Gln)

Gene: SMC1A (structural maintenance of chromosomes 1A; minus strand). Cytogenetic location: Xp11.22.
Variant type: single nucleotide variant.
Coding change: c.37A>C on transcript NM_006306.4 (MANE Select); coding-DNA position 37, A replaced by C.
Protein change: p.Lys13Gln; replaces lysine 13 with glutamine.
Molecular consequence: missense variant. On other transcripts: 5 prime UTR variant (1).
Genome position (GRCh38, 1-based): chrX:53,422,564, T>G on the plus strand (A>C on the coding strand, the complement: SMC1A is on the minus strand). VCF-style: chrX-53422564-T-G. GRCh37 (hg19) VCF-style: chrX-53449513-T-G.
Other names: c.-176A>C (NM_001281463.1); short protein forms K13Q.
Identifiers: ClinVar variation 851332 (VCV000851332.9), dbSNP rs2075764777, ClinGen allele CA413135601.

ClinVar aggregate classification (germline): Uncertain significance (1 of 4 stars; one submission).

Conditions:
Congenital muscular hypertrophy-cerebral syndrome (CDLS2). Also called: Cornelia de Lange syndrome 2; SMC1A-Related Cornelia de Lange Syndrome. Identifiers: Orphanet 199, MedGen C1802395, MONDO:0010370, OMIM 300590.

Submission:

Labcorp Genetics (formerly Invitae), Labcorp
Classification: Uncertain significance for Congenital muscular hypertrophy-cerebral syndrome. Last evaluated: 2019-03-01. Review status: criteria provided, single submitter. Criteria: Invitae Variant Classification Sherloc (09022015). Collection method: clinical testing. Allele origin: germline.
Comment: In summary, the available evidence is currently insufficient to determine the role of this variant in disease. Therefore, it has been classified as a Variant of Uncertain Significance. Algorithms developed to predict the effect of missense changes on protein structure and function are either unavailable or do not agree on the potential impact of this missense change (SIFT: "Deleterious"; PolyPhen-2: "Probably Damaging"; Align-GVGD: "Class C0"). This variant has not been reported in the literature in individuals with SMC1A-related conditions. This variant is not present in population databases (ExAC no frequency). This sequence change replaces lysine with glutamine at codon 13 of the SMC1A protein (p.Lys13Gln). The lysine residue is highly conserved and there is a small physicochemical difference between lysine and glutamine.